The following is an entry in ClinVar:

ClinVar aggregate classification (germline): Uncertain significance. Review status: criteria provided, multiple submitters, no conflicts (2 of 4 stars). 7 submissions from 7 submitters: Uncertain significance (6). 1 of the submissions does not count toward it. Last evaluated 2025-10-26.

Conditions:
Self-limited epilepsy with centrotemporal spikes. Also called: Childhood epilepsy with centrotemporal spikes; Rolandic epilepsy. Identifiers: Orphanet 1945, MedGen C0376532, MONDO:0007295.
Cardiovascular phenotype. Identifiers: MedGen CN230736.
Brugada syndrome 5 (BRGDA5). Identifiers: Orphanet 130, Orphanet 871, MedGen C2748541, MONDO:0013015, OMIM 612838.

Allele frequency attached by ClinVar (database versions not stated): ExAC 0.00001; gnomAD exomes 0.00002; TOPMed 0.00005; ESP Exome Variant Server 0.00015; 1000 Genomes Project 30x 0.00016.
gnomAD v4.1: 22 of 1,614,216 alleles (0.0014%); highest among the groups gnomAD compares: Non-Finnish European, 0.0018%; no homozygotes.

Submissions (7):

Labcorp Genetics (formerly Invitae), Labcorp
Classification: Uncertain significance for Brugada syndrome 5. Last evaluated: 2025-10-26. Review status: criteria provided, single submitter. Criteria: Invitae Variant Classification Sherloc (09022015). Collection method: clinical testing. Allele origin: germline.
Comment: The SCN1B gene has multiple clinically relevant transcripts. This variant occurs in alternate transcript NM_001037.5, and corresponds to NM_199037.3:c.*5042G>C in the primary transcript. This sequence change replaces valine, which is neutral and non-polar, with leucine, which is neutral and non-polar, at codon 158 of the SCN1B protein (p.Val158Leu). This variant is present in population databases (rs138450474, gnomAD 0.004%). This missense change has been observed in individual(s) with clinical features of SCN1B-related conditions (PMID: 29358611). ClinVar contains an entry for this variant (Variation ID: 433138). Experimental studies and prediction algorithms are not available or were not evaluated, and the functional significance of this variant is currently unknown. This variant disrupts the p.Val158 amino acid residue in SCN1B. Other variant(s) that disrupt this residue have been determined to be pathogenic (PMID: 33901312). This suggests that this residue is clinically significant, and that variants that disrupt this residue are likely to be disease-causing. In summary, the available evidence is currently insufficient to determine the role of this variant in disease. Therefore, it has been classified as a Variant of Uncertain Significance.

Dasa
Classification: Uncertain significance. Last evaluated: 2025-10-01. Review status: criteria provided, single submitter. Criteria: DASA Assertion Criteria. Collection method: clinical testing. Allele origin: germline.
Comment: NM_001037.5(SCN1B):c.472G>C (p.Val158Leu) is a missense variant that results in the substitution of valine with leucine. The affected residue or protein region has prior evidence supporting clinical relevance. This variant has been recurrently observed in individuals with SCN1B-related disorders (PMID: 29358611; PMID: 31589614). Also, this variant is rare in population databases. The currently available literature and clinical evidence are not sufficient to establish a definitive association between this variant and the reported condition. Therefore, this variant is classified as a variant of uncertain significance.

GeneDx
Classification: Uncertain significance. Last evaluated: 2025-09-03. Review status: criteria provided, single submitter. Criteria: GeneDx Variant Classification Process June 2021. Collection method: clinical testing. Allele origin: germline.
Comment: Reported previously in a patient with rolandic epilepsy (RE); however, no further clinical or segregation information was provided (PMID: 29358611); Not observed at significant frequency in large population cohorts (gnomAD); In silico analysis suggests that this missense variant does not alter protein structure/function; This variant is associated with the following publications: (PMID: 31589614, 29758173, 29358611)

CeGaT Center for Human Genetics Tuebingen
Classification: Uncertain significance. Last evaluated: 2023-11-01. Review status: criteria provided, single submitter. Criteria: CeGaT Center For Human Genetics Tuebingen Variant Classification Criteria Version 2. Collection method: clinical testing. Allele origin: germline. Affected: yes. Observed: 1 variant allele.
Comment: SCN1B: PM5, PP3

Ambry Genetics
Classification: Uncertain significance for Cardiovascular phenotype. Last evaluated: 2023-05-18. Review status: criteria provided, single submitter. Criteria: Ambry Variant Classification Scheme 2023. Collection method: clinical testing. Allele origin: germline.
Comment: The p.V158L variant (also known as c.472G>C), located in coding exon 4 of the SCN1B gene, results from a G to C substitution at nucleotide position 472. The valine at codon 158 is replaced by leucine, an amino acid with highly similar properties. This alteration has been detected in an individual with rolandic or atypical rolandic epilepsy (Bobbili DR et al. Eur. J. Hum. Genet., 2018 02;26:258-264). This amino acid position is highly conserved in available vertebrate species. In addition, the in silico prediction for this alteration is inconclusive. Based on the supporting evidence, this variant is unlikely to be causative of Brugada syndrome; however, its contribution to the development of SCN1B-related developmental and epileptic encephalopathy and SCN1B-related epilepsy is uncertain.

Laboratorio de Genetica e Diagnostico Molecular, Hospital Israelita Albert Einstein
Classification: Uncertain significance. Last evaluated: 2019-10-18. Review status: criteria provided, single submitter. Criteria: ACMG Guidelines, 2015. Collection method: clinical testing. Allele origin: germline. Affected: yes.
Comment: ACMG classification criteria: PM2, PM3

Bioinformatics Core, Luxembourg Center for Systems Biomedicine
Classification: Pathogenic for Self-limited epilepsy with centrotemporal spikes. Last evaluated: 2017-01-01. Review status: no assertion criteria provided. Collection method: case-control. Allele origin: germline. Affected: yes. Study: EUROEPINOMICS COGIE. Not counted in ClinVar's aggregate classification.

Literature cited by the submitters: PubMed 29358611 (cited by 4 submitters); PubMed 33901312 (cited by Labcorp Genetics (formerly Invitae), Labcorp); PubMed 31589614 (cited by Dasa); PubMed 29758173 (cited by Ambry Genetics).

NM_001037.5(SCN1B):c.472G>C (p.Val158Leu)

Gene: SCN1B (sodium voltage-gated channel beta subunit 1; plus strand). Cytogenetic location: 19q13.11.
Variant type: single nucleotide variant.
Coding change: c.472G>C on transcript NM_001037.5 (MANE Select); coding-DNA position 472, G replaced by C.
Protein change: p.Val158Leu; replaces valine 158 with leucine.
Molecular consequence: missense variant.
Genome position (GRCh38, 1-based): chr19:35,039,140, G>C. VCF-style: chr19-35039140-G-C. GRCh37 (hg19) VCF-style: chr19-35530044-G-C.
Other names: c.373G>C, p.Val125Leu (NM_001321605.2); short protein forms V158L, V125L.
Identifiers: ClinVar variation 433138 (VCV000433138.38), dbSNP rs138450474, ClinGen allele CA9372078.